The following is an entry in ClinVar:

ClinVar aggregate classification (germline): Uncertain significance. Review status: criteria provided, multiple submitters, no conflicts (2 of 4 stars). 2 submissions from 2 submitters: Uncertain significance (2). Last evaluated 2024-01-11.

Conditions:
Inborn genetic diseases. Identifiers: MedGen C0950123, MeSH D030342.

Allele frequency attached by ClinVar (database versions not stated): TOPMed 0.00002; gnomAD 0.00003; gnomAD exomes 0.00007.
gnomAD v4.1: 93 of 1,507,232 alleles (0.0062%); highest among the groups gnomAD compares: Non-Finnish European, 0.0081%; no homozygotes.

Submissions (2):

GeneDx
Classification: Uncertain significance. Last evaluated: 2024-01-11. Review status: criteria provided, single submitter. Criteria: GeneDx Variant Classification Process June 2021. Collection method: clinical testing. Allele origin: germline. Affected: yes.
Comment: In silico analysis supports that this missense variant does not alter protein structure/function; Has not been previously published as pathogenic or benign to our knowledge

Ambry Genetics
Classification: Uncertain significance for Inborn genetic diseases. Last evaluated: 2022-12-13. Review status: criteria provided, single submitter. Criteria: Ambry Variant Classification Scheme 2023. Collection method: clinical testing. Allele origin: germline.

NM_020435.4(GJC2):c.479G>A (p.Gly160Glu)

Gene: GJC2 (gap junction protein gamma 2; plus strand). Cytogenetic location: 1q42.13.
Variant type: single nucleotide variant.
Coding change: c.479G>A on transcript NM_020435.4 (MANE Select); coding-DNA position 479, G replaced by A.
Protein change: p.Gly160Glu; replaces glycine 160 with glutamic acid.
Molecular consequence: missense variant.
Genome position (GRCh38, 1-based): chr1:228,158,237, G>A. VCF-style: chr1-228158237-G-A. GRCh37 (hg19) VCF-style: chr1-228345938-G-A.
Other names: short protein forms G160E.
Identifiers: ClinVar variation 2334053 (VCV002334053.3), dbSNP rs1344879825, ClinGen allele CA345098089.
Genomic context (GRCh38, chr1:228,158,237, plus strand): 5'-ACCTGGGCGAGGAGGAGCCCATGCTGGGCCTGGGCGAGGAGGAGGAGGAGGAGGAGACGG[G>A]GGCAGCCGAGGGCGCCGGCGAGGAAGCGGAGGAGGCAGGCGCGGAGGAGGCGTGCACTAA-3'
Protein context (NP_065168.2, residues 150-170): LGEEEEEEET[Gly160Glu]AAEGAGEEAE